The following is an entry in ClinVar:

ClinVar aggregate classification (germline): Pathogenic (1 of 4 stars; one submission).

Submission:

GeneDx
Classification: Pathogenic. Last evaluated: 2021-05-25. Review status: criteria provided, single submitter. Criteria: GeneDx Variant Classification Process June 2021. Collection method: clinical testing. Allele origin: germline. Affected: yes.
Comment: Nonsense variant predicted to result in protein truncation or nonsense mediated decay in a gene for which loss-of-function is a known mechanism of disease; Not observed at significant frequency in large population cohorts (Lek 2016); This variant is associated with the following publications: (PMID: 31717729)

NM_001042492.3(NF1):c.7524T>G (p.Tyr2508Ter)

Gene: NF1 (neurofibromin 1; plus strand). Cytogenetic location: 17q11.2.
Variant type: single nucleotide variant.
Coding change: c.7524T>G on transcript NM_001042492.3 (MANE Select); coding-DNA position 7524, T replaced by G.
Protein change: p.Tyr2508Ter; replaces tyrosine 2508 with a stop codon.
Molecular consequence: nonsense.
Genome position (GRCh38, 1-based): chr17:31,352,323, T>G. VCF-style: chr17-31352323-T-G. GRCh37 (hg19) VCF-style: chr17-29679341-T-G.
Other names: c.7461T>G, p.Tyr2487Ter (NM_000267.4); short protein forms Y2487*, Y2508*.
Identifiers: ClinVar variation 1326661 (VCV001326661.2), dbSNP rs2151577136, ClinGen allele CA399017581.
Genomic context (GRCh38, chr17:31,352,323, plus strand): 5'-AAAGGAGACTCAGCCATGGTCCTCTCCCAAAGGTTCTGAAGGATACCTTGCAGCCACCTA[T>G]CCAACTGTCGGCCAGACCAGTCCCCGAGCCAGGAAATCCATGAGCCTGGACATGGGGCAA-3'